The following is an entry in ClinVar:

ClinVar aggregate classification (germline): Pathogenic (1 of 4 stars; one submission).

Conditions:
Disseminated atypical mycobacterial infection. Identifiers: MedGen C0694566.

Submission:

Labcorp Genetics (formerly Invitae), Labcorp
Classification: Pathogenic for Disseminated atypical mycobacterial infection. Last evaluated: 2025-08-21. Review status: criteria provided, single submitter. Criteria: Invitae Variant Classification Sherloc (09022015). Collection method: clinical testing. Allele origin: germline.
Comment: This sequence change affects a donor splice site in intron 3 of the IFNGR1 gene. It is expected to disrupt RNA splicing. Variants that disrupt the donor or acceptor splice site typically lead to a loss of protein function (PMID: 16199547), and loss-of-function variants in IFNGR1 are known to be pathogenic (PMID: 8960473, 9806040). This variant is not present in population databases (gnomAD no frequency). Disruption of this splice site has been observed in individual(s) with autosomal recessive mendelian susceptibility to mycobacterial disease (PMID: 10480427). In at least one individual the data is consistent with being in trans (on the opposite chromosome) from a pathogenic variant. ClinVar contains an entry for this variant (Variation ID: 462774). Studies have shown that disruption of this splice site alters IFNGR1 gene expression (PMID: 10480427). Algorithms developed to predict the effect of sequence changes on RNA splicing suggest that this variant may disrupt the consensus splice site. For these reasons, this variant has been classified as Pathogenic.

Literature cited by the submitters: PubMed 16199547; PubMed 8960473; PubMed 9806040; PubMed 10480427.

NM_000416.3(IFNGR1):c.373+2T>C

Gene: IFNGR1 (interferon gamma receptor 1; minus strand). Cytogenetic location: 6q23.3.
Variant type: single nucleotide variant.
Coding change: c.373+2T>C on transcript NM_000416.3 (MANE Select); the canonical splice donor site of the intron after coding-DNA position 373, T replaced by C.
Molecular consequence: splice donor variant.
Genome position (GRCh38, 1-based): chr6:137,206,134, A>G on the plus strand (T>C on the coding strand, the complement: IFNGR1 is on the minus strand). VCF-style: chr6-137206134-A-G. GRCh37 (hg19) VCF-style: chr6-137527271-A-G.
Other names: c.343+2T>C (NM_001363526.1); c.250+2T>C (NM_001363527.1).
Identifiers: ClinVar variation 462774 (VCV000462774.8), dbSNP rs1554227230, ClinGen allele CA365775576.
Genomic context (GRCh38, chr6:137,206,134, plus strand): 5'-TACAGAAGACATGTATAAATATTTTCCAATTTAAAATTTACATGTGTACACATTCTACTC[A>G]CCATCTCGGCATACAGCAAATTCTTCTGACTTTGCATAGGCAGATTCTTTTTGTCCAACC-3'